The following is an entry in ClinVar:

ClinVar aggregate classification (germline): Uncertain significance (1 of 4 stars; one submission).

Conditions:
Hypertrophic cardiomyopathy 14. Identifiers: MedGen C2750467, MONDO:0013197, OMIM 613251.

Submission:

Labcorp Genetics (formerly Invitae), Labcorp
Classification: Uncertain significance for Hypertrophic cardiomyopathy 14. Last evaluated: 2022-04-02. Review status: criteria provided, single submitter. Criteria: Invitae Variant Classification Sherloc (09022015). Collection method: clinical testing. Allele origin: germline.
Comment: In summary, the available evidence is currently insufficient to determine the role of this variant in disease. Therefore, it has been classified as a Variant of Uncertain Significance. Algorithms developed to predict the effect of missense changes on protein structure and function are either unavailable or do not agree on the potential impact of this missense change (SIFT: "Tolerated"; PolyPhen-2: "Possibly Damaging"; Align-GVGD: "Class C0"). This variant has not been reported in the literature in individuals affected with MYH6-related conditions. This variant is not present in population databases (gnomAD no frequency). This sequence change replaces lysine, which is basic and polar, with threonine, which is neutral and polar, at codon 1643 of the MYH6 protein (p.Lys1643Thr).

NM_002471.4(MYH6):c.4928A>C (p.Lys1643Thr)

Genes: MYH6 (myosin heavy chain 6; minus strand), LOC126861896 (BRD4-independent group 4 enhancer GRCh37_chr14:23854904-23856103; plus strand). Cytogenetic location: 14q11.2.
Variant type: single nucleotide variant.
Coding change: c.4928A>C on transcript NM_002471.4 (MANE Select); coding-DNA position 4928, A replaced by C.
Protein change: p.Lys1643Thr; replaces lysine 1643 with threonine.
Molecular consequence: missense variant.
Genome position (GRCh38, 1-based): chr14:23,386,346, T>G on the plus strand (A>C on the coding strand, the complement: MYH6 is on the minus strand). VCF-style: chr14-23386346-T-G. GRCh37 (hg19) VCF-style: chr14-23855555-T-G.
Other names: short protein forms K1643T.
Identifiers: ClinVar variation 2120932 (VCV002120932.4), dbSNP rs2502143142, ClinGen allele CA388991060.